The following is an entry in ClinVar:

NM_001205293.3(CACNA1E):c.1484T>C (p.Ile495Thr)

Gene: CACNA1E (calcium voltage-gated channel subunit alpha1 E; plus strand). Cytogenetic location: 1q25.3.
Variant type: single nucleotide variant.
Coding change: c.1484T>C on transcript NM_001205293.3 (MANE Select); coding-DNA position 1484, T replaced by C.
Protein change: p.Ile495Thr; replaces isoleucine 495 with threonine.
Molecular consequence: missense variant.
Genome position (GRCh38, 1-based): chr1:181,717,261, T>C. VCF-style: chr1-181717261-T-C. GRCh37 (hg19) VCF-style: chr1-181686397-T-C.
Other names: c.1484T>C, p.Ile495Thr (NM_000721.4, NM_001205294.2); short protein forms I495T.
Identifiers: ClinVar variation 1806770 (VCV001806770.1), dbSNP rs374637546, ClinGen allele CA1275124.
Genomic context (GRCh38, chr1:181,717,261, plus strand): 5'-CCCAGGTGTTTTACTGGATTGTGCTGAGCCTTGTGGCACTCAACACTGCCTGTGTGGCCA[T>C]TGTCCATCACAACCAGCCCCAGTGGCTCACCCACCTCCTCTGTAAGTAAAGCCTCTCTCT-3'
Protein context (NP_001192222.1, residues 485-505): LVALNTACVA[Ile495Thr]VHHNQPQWLT

ClinVar aggregate classification (germline): Uncertain significance (1 of 4 stars; one submission).

Allele frequency attached by ClinVar (database versions not stated): gnomAD exomes below 0.00001; ExAC 0.00001; gnomAD 0.00001; TOPMed 0.00001; ESP Exome Variant Server 0.00008.
gnomAD v4.1: 2 of 1,613,840 alleles (0.00012%); highest among the groups gnomAD compares: Non-Finnish European, 0.00017%; no homozygotes.

Submission:

GeneDx
Classification: Uncertain significance. Last evaluated: 2022-06-23. Review status: criteria provided, single submitter. Criteria: GeneDx Variant Classification Process June 2021. Collection method: clinical testing. Allele origin: germline. Affected: yes.
Comment: In silico analysis supports that this missense variant has a deleterious effect on protein structure/function; Has not been previously published as pathogenic or benign to our knowledge